The following is an entry in ClinVar:

NM_002907.4(RECQL):c.1033C>T (p.His345Tyr)

Gene: RECQL (RecQ like helicase; minus strand). Cytogenetic location: 12p12.1.
Variant type: single nucleotide variant.
Coding change: c.1033C>T on transcript NM_002907.4 (MANE Select); coding-DNA position 1033, C replaced by T.
Protein change: p.His345Tyr; replaces histidine 345 with tyrosine.
Molecular consequence: missense variant.
Genome position (GRCh38, 1-based): chr12:21,475,741, G>A on the plus strand (C>T on the coding strand, the complement: RECQL is on the minus strand). VCF-style: chr12-21475741-G-A. GRCh37 (hg19) VCF-style: chr12-21628675-G-A.
Other names: c.1033C>T, p.His345Tyr (NM_032941.3); short protein forms H345Y.
Identifiers: ClinVar variation 1771860 (VCV001771860.2), dbSNP rs1796830574, ClinGen allele CA384121487.

ClinVar aggregate classification (germline): Uncertain significance (1 of 4 stars; one submission).

Allele frequency attached by ClinVar (database versions not stated): TOPMed below 0.00001; gnomAD exomes 0.00001.
gnomAD v4.1: 6 of 1,613,408 alleles (0.00037%); highest among the groups gnomAD compares: Non-Finnish European, 0.00051%; no homozygotes.

Submission:

Ambry Genetics
Classification: Uncertain significance. Last evaluated: 2022-06-18. Review status: criteria provided, single submitter. Criteria: Ambry Variant Classification Scheme 2023. Collection method: clinical testing. Allele origin: germline.
Comment: The p.H345Y variant (also known as c.1033C>T), located in coding exon 8 of the RECQL gene, results from a C to T substitution at nucleotide position 1033. The histidine at codon 345 is replaced by tyrosine, an amino acid with similar properties. This amino acid position is conserved. In addition, this alteration is predicted to be deleterious by in silico analysis. Since supporting evidence is limited at this time, the clinical significance of this alteration remains unclear.